The following is an entry in ClinVar:

NM_014639.4(SKIC3):c.444A>G (p.Glu148=)

Gene: SKIC3 (SKI3 subunit of superkiller complex; minus strand). Cytogenetic location: 5q15.
Variant type: single nucleotide variant.
Coding change: c.444A>G on transcript NM_014639.4 (MANE Select); coding-DNA position 444, A replaced by G.
Protein change: p.Glu148=; no amino-acid change (glutamic acid 148 retained).
Molecular consequence: synonymous variant.
Genome position (GRCh38, 1-based): chr5:95,540,789, T>C on the plus strand (A>G on the coding strand, the complement: SKIC3 is on the minus strand). VCF-style: chr5-95540789-T-C. GRCh37 (hg19) VCF-style: chr5-94876493-T-C.
Identifiers: ClinVar variation 1600627 (VCV001600627.10), dbSNP rs200646357, ClinGen allele CA3347599.
Genomic context (GRCh38, chr5:95,540,789, plus strand): 5'-AGCCAGGAACTGAGTCAATTTTCTCCATAGTTGATGAAGCTCTTCATTTTCTGCACCTTG[T>C]TCCTGCCGTGTTTTTATCAACTTGTGCCATGTTCGAGCCACCTATTAAAGAAGGAGATTT-3'
Protein context (NP_055454.1, residues 138-158): TWHKLIKTRQ[Glu148=]QGAENEELHQ

ClinVar aggregate classification (germline): Benign/Likely benign. Review status: criteria provided, multiple submitters, no conflicts (2 of 4 stars). 2 submissions from 2 submitters: Benign (1); Likely benign (1). Last evaluated 2026-04-01.

Allele frequency attached by ClinVar (database versions not stated): gnomAD 0.00006; TOPMed 0.00015; 1000 Genomes Project 30x 0.00016; 1000 Genomes Project 0.00020; ExAC 0.00024; gnomAD exomes 0.00033.
gnomAD v4.1: 96 of 1,614,120 alleles (0.0059%); highest among the groups gnomAD compares: Admixed American, 0.16%; 1 homozygote.

Submissions (2):

CeGaT Center for Human Genetics Tuebingen
Classification: Likely benign. Last evaluated: 2026-04-01. Review status: criteria provided, single submitter. Criteria: CeGaT Center For Human Genetics Tuebingen Variant Classification Criteria Version 2. Collection method: clinical testing. Allele origin: germline. Affected: yes. Observed: 1 variant allele.
Comment: SKIC3: BP4, BP7

Labcorp Genetics (formerly Invitae), Labcorp
Classification: Benign. Last evaluated: 2026-01-19. Review status: criteria provided, single submitter. Criteria: Invitae Variant Classification Sherloc (09022015). Collection method: clinical testing. Allele origin: germline.